The following is an entry in ClinVar:

NM_174916.3(UBR1):c.264G>A (p.Glu88=)

Gene: UBR1 (ubiquitin protein ligase E3 component n-recognin 1; minus strand). Cytogenetic location: 15q15.2.
Variant type: single nucleotide variant.
Coding change: c.264G>A on transcript NM_174916.3 (MANE Select); coding-DNA position 264, G replaced by A.
Protein change: p.Glu88=; no amino-acid change (glutamic acid 88 retained).
Molecular consequence: synonymous variant.
Genome position (GRCh38, 1-based): chr15:43,086,058, C>T on the plus strand (G>A on the coding strand, the complement: UBR1 is on the minus strand). VCF-style: chr15-43086058-C-T. GRCh37 (hg19) VCF-style: chr15-43378256-C-T.
Identifiers: ClinVar variation 715240 (VCV000715240.52), dbSNP rs142558660, ClinGen allele CA7519062.

ClinVar aggregate classification (germline): Benign/Likely benign. Review status: criteria provided, multiple submitters, no conflicts (2 of 4 stars). 5 submissions from 5 submitters: Benign (1); Likely benign (3). 1 of the submissions does not count toward it. Last evaluated 2026-02-01.

Conditions:
UBR1-related disorder. Also called: UBR1-related condition.

Allele frequency attached by ClinVar (database versions not stated): ESP Exome Variant Server 0.00062; gnomAD 0.00069 and 0.00071; TOPMed 0.00070; gnomAD exomes 0.00073 and 0.00115; ExAC 0.00079.
gnomAD v4.1: 1,765 of 1,613,906 alleles (0.11%); highest among the groups gnomAD compares: Non-Finnish European, 0.14%; 1 homozygote.

Submissions (5):

CeGaT Center for Human Genetics Tuebingen
Classification: Likely benign. Last evaluated: 2026-02-01. Review status: criteria provided, single submitter. Criteria: CeGaT Center For Human Genetics Tuebingen Variant Classification Criteria Version 2. Collection method: clinical testing. Allele origin: germline. Affected: yes. Observed: 8 variant alleles.
Comment: UBR1: BP4, BP7

Labcorp Genetics (formerly Invitae), Labcorp
Classification: Benign. Last evaluated: 2026-01-25. Review status: criteria provided, single submitter. Criteria: Invitae Variant Classification Sherloc (09022015). Collection method: clinical testing. Allele origin: germline.

Laboratory of Genetics, Children's Clinical University Hospital Latvia
Classification: Likely benign. Last evaluated: 2025-02-16. Review status: criteria provided, single submitter. Criteria: ACMG Guidelines, 2015. Collection method: clinical testing. Allele origin: germline. Affected: yes.

Blueprint Genetics
Classification: Likely benign. Last evaluated: 2024-10-24. Review status: criteria provided, single submitter. Criteria: ACMG Guidelines, 2015. Collection method: clinical testing. Allele origin: germline.

PreventionGenetics, part of Exact Sciences
Classification: Likely benign for UBR1-related condition. Last evaluated: 2024-03-27. Review status: no assertion criteria provided. Collection method: clinical testing. Allele origin: germline. Not counted in ClinVar's aggregate classification.
Comment: This variant is classified as likely benign based on ACMG/AMP sequence variant interpretation guidelines (Richards et al. 2015 PMID: 25741868, with internal and published modifications).